The following is an entry in ClinVar:

ClinVar aggregate classification (germline): Uncertain significance. Review status: criteria provided, multiple submitters, no conflicts (2 of 4 stars). 3 submissions from 3 submitters: Uncertain significance (3). Last evaluated 2025-09-21.

Conditions:
Epidermolysis bullosa simplex 5B, with muscular dystrophy (EBS5B). Also called: Epidermolysis bullosa simplex with muscular dystrophy; EPIDERMOLYSIS BULLOSA SIMPLEX AND LIMB-GIRDLE MUSCULAR DYSTROPHY. Identifiers: Orphanet 257, MedGen C2931072, MONDO:0009181, OMIM 226670.
Epidermolysis bullosa simplex 5C, with pyloric atresia (EBS5C). Also called: Epidermolysis bullosa simplex with pyloric atresia; PLEC-Related Epidermolysis Bullosa with Pyloric Atresia; PLEC1-Related Epidermolysis Bullosa with Pyloric Atresia. Identifiers: Orphanet 158684, MedGen C2677349, MONDO:0012807, OMIM 612138.
Epidermolysis bullosa simplex with nail dystrophy (EBS5D). Identifiers: MedGen C4225309, MONDO:0014661, OMIM 616487.
Autosomal recessive limb-girdle muscular dystrophy type 2Q (LGMDR17). Also called: MUSCULAR DYSTROPHY, LIMB-GIRDLE, AUTOSOMAL RECESSIVE 17. Identifiers: Orphanet 254361, MedGen C3150989, MONDO:0013390, OMIM 613723.
Epidermolysis bullosa simplex, Ogna type (EBS5A). Also called: Pidermolysis bullosa simplex 5A, Ogna type; EPIDERMOLYSIS BULLOSA SIMPLEX 5A, OGNA TYPE. Identifiers: Orphanet 79401, MedGen C0432317, MONDO:0007555, OMIM 131950.
Inborn genetic diseases. Identifiers: MedGen C0950123, MeSH D030342.

Allele frequency attached by ClinVar (database versions not stated): gnomAD 0.00001; TOPMed 0.00002.
gnomAD v4.1: 51 of 1,580,486 alleles (0.0032%); highest among the groups gnomAD compares: Non-Finnish European, 0.004%; no homozygotes.

Submissions (3):

Labcorp Genetics (formerly Invitae), Labcorp
Classification: Uncertain significance for Autosomal recessive limb-girdle muscular dystrophy type 2Q; Epidermolysis bullosa simplex, Ogna type; Epidermolysis bullosa simplex with nail dystrophy; Epidermolysis bullosa simplex 5C, with pyloric atresia; Epidermolysis bullosa simplex 5B, with muscular dystrophy. Last evaluated: 2025-09-21. Review status: criteria provided, single submitter. Criteria: Invitae Variant Classification Sherloc (09022015). Collection method: clinical testing. Allele origin: germline.
Comment: This sequence change replaces arginine, which is basic and polar, with cysteine, which is neutral and slightly polar, at codon 3893 of the PLEC protein (p.Arg3893Cys). This variant is present in population databases (rs782732974, gnomAD 0.004%). This variant has not been reported in the literature in individuals affected with PLEC-related conditions. ClinVar contains an entry for this variant (Variation ID: 1357133). An algorithm developed to predict the effect of missense changes on protein structure and function (PolyPhen-2) suggests that this variant is likely to be disruptive. In summary, the available evidence is currently insufficient to determine the role of this variant in disease. Therefore, it has been classified as a Variant of Uncertain Significance.

Mayo Clinic Laboratories, Mayo Clinic
Classification: Uncertain significance. Last evaluated: 2024-09-18. Review status: criteria provided, single submitter. Criteria: ACMG Guidelines, 2015. Collection method: clinical testing. Allele origin: germline. Observed: 1 variant allele.

Ambry Genetics
Classification: Uncertain significance for Inborn genetic diseases. Last evaluated: 2021-07-14. Review status: criteria provided, single submitter. Criteria: Ambry Variant Classification Scheme 2023. Collection method: clinical testing. Allele origin: germline.

NM_201384.3(PLEC):c.11596C>T (p.Arg3866Cys)

Gene: PLEC (plectin; minus strand). Cytogenetic location: 8q24.3.
Variant type: single nucleotide variant.
Coding change: c.11596C>T on transcript NM_201384.3 (MANE Select); coding-DNA position 11596, C replaced by T.
Protein change: p.Arg3866Cys; replaces arginine 3866 with cysteine.
Molecular consequence: missense variant.
Genome position (GRCh38, 1-based): chr8:143,918,225, G>A on the plus strand (C>T on the coding strand, the complement: PLEC is on the minus strand). VCF-style: chr8-143918225-G-A. GRCh37 (hg19) VCF-style: chr8-144992393-G-A.
Other names: p.Arg3893Cys; c.11677C>T, p.Arg3893Cys (NM_000445.5); c.11554C>T, p.Arg3852Cys (NM_201378.4); c.11530C>T, p.Arg3844Cys (NM_201379.3); c.12007C>T, p.Arg4003Cys (NM_201380.4); c.11500C>T, p.Arg3834Cys (NM_201381.3); c.11596C>T, p.Arg3866Cys (NM_201382.4); c.11608C>T, p.Arg3870Cys (NM_201383.3); and 1 more; short protein forms R3834C, R3852C, R3866C, R3870C, R3893C, R3844C, R4003C.
Identifiers: ClinVar variation 1357133 (VCV001357133.9), dbSNP rs782732974, ClinGen allele CA4924302.